The following is an entry in ClinVar:

ClinVar aggregate classification (germline): Uncertain significance. Review status: criteria provided, single submitter (1 of 4 stars). 3 submissions from 3 submitters: Uncertain significance (1). 2 of the submissions do not count toward it. Last evaluated 2021-11-08.

Conditions:
Lodder-Merla syndrome, type 1, with impaired intellectual development and cardiac arrhythmia. Also called: Intellectual developmental disorder with cardiac arrhythmia; Gnb5-related intellectual disability-cardiac arrhythmia syndrome. Identifiers: Orphanet 542306, MedGen C5568877, MONDO:0014953, OMIM 617173.
Inborn genetic diseases. Identifiers: MedGen C0950123, MeSH D030342.

Allele frequency attached by ClinVar (database versions not stated): gnomAD 0.00001; gnomAD exomes 0.00002 and 0.00001.
gnomAD v4.1: 28 of 1,610,600 alleles (0.0017%); highest among the groups gnomAD compares: Non-Finnish European, 0.0024%; no homozygotes.

Submissions (3):

Ambry Genetics
Classification: Uncertain significance for Inborn genetic diseases. Last evaluated: 2021-11-08. Review status: criteria provided, single submitter. Criteria: Ambry Variant Classification Scheme 2023. Collection method: clinical testing. Allele origin: germline.
Comment: The c.375+3A>G intronic alteration consists of a A to G substitution 3 nucleotides after exon 4 (coding exon 3) of the GNB5 gene. Based on insufficient or conflicting evidence, the clinical significance of this alteration remains unclear.

OMIM
Classification: Pathogenic for LODDER-MERLA SYNDROME, TYPE 1, WITH IMPAIRED INTELLECTUAL DEVELOPMENT AND CARDIAC ARRHYTHMIA. Last evaluated: 2023-08-16. Review status: no assertion criteria provided. Collection method: literature only. Allele origin: germline. Not counted in ClinVar's aggregate classification.

Lupski Lab, Baylor-Hopkins CMG, Baylor College of Medicine
Classification: Pathogenic for Lodder-Merla syndrome, type 1, with impaired intellectual development and cardiac arrhythmia. Review status: no assertion criteria provided. Collection method: research. Allele origin: germline. Inheritance: Autosomal recessive inheritance. Affected: yes. Not counted in ClinVar's aggregate classification.

Literature cited by the submitters: PubMed 27523599 (cited by Ambry Genetics and OMIM).

NM_016194.4(GNB5):c.375+3A>G

Gene: GNB5 (G protein subunit beta 5; minus strand). Cytogenetic location: 15q21.2.
Variant type: single nucleotide variant.
Coding change: c.375+3A>G on transcript NM_016194.4 (MANE Select); 3 bases into the intron after coding-DNA position 375, A replaced by G.
Molecular consequence: intron variant.
Genome position (GRCh38, 1-based): chr15:52,153,937, T>C on the plus strand (A>G on the coding strand, the complement: GNB5 is on the minus strand). VCF-style: chr15-52153937-T-C. GRCh37 (hg19) VCF-style: chr15-52446134-T-C.
Other names: IVS2DS, A-G, +3; c.249+3A>G (NM_006578.4); c.375+3A>G (NM_016194.3).
Identifiers: ClinVar variation 268101 (VCV000268101.5), dbSNP rs766004901, ClinGen allele CA10602651.